The following is an entry in ClinVar:

NM_000243.3(MEFV):c.1757A>G (p.Asn586Ser)

Genes: MEFV (MEFV innate immunity regulator, pyrin; minus strand), LOC126862264 (CDK7 strongly-dependent group 2 enhancer GRCh37_chr16:3293322-3294521; plus strand). Cytogenetic location: 16p13.3.
Variant type: single nucleotide variant.
Coding change: c.1757A>G on transcript NM_000243.3 (MANE Select); coding-DNA position 1757, A replaced by G.
Protein change: p.Asn586Ser; replaces asparagine 586 with serine.
Molecular consequence: missense variant.
Genome position (GRCh38, 1-based): chr16:3,244,256, T>C on the plus strand (A>G on the coding strand, the complement: MEFV is on the minus strand). VCF-style: chr16-3244256-T-C. GRCh37 (hg19) VCF-style: chr16-3294256-T-C.
Other names: c.1124A>G, p.Asn375Ser (NM_001198536.2); short protein forms N375S, N586S.
Identifiers: ClinVar variation 1779485 (VCV001779485.2), dbSNP rs976384120, ClinGen allele CA276955797.

ClinVar aggregate classification (germline): Uncertain significance (1 of 4 stars; one submission).

Conditions:
Inborn genetic diseases. Identifiers: MedGen C0950123, MeSH D030342.

Allele frequency attached by ClinVar (database versions not stated): TOPMed below 0.00001; gnomAD exomes 0.00001.
gnomAD v4.1: 5 of 1,613,886 alleles (0.00031%); highest among the groups gnomAD compares: Non-Finnish European, 0.00042%; no homozygotes.

Submission:

Ambry Genetics
Classification: Uncertain significance for Inborn genetic diseases. Last evaluated: 2022-02-07. Review status: criteria provided, single submitter. Criteria: Ambry Variant Classification Scheme 2023. Collection method: clinical testing. Allele origin: germline.
Comment: The p.N586S variant (also known as c.1757A>G), located in coding exon 8 of the MEFV gene, results from an A to G substitution at nucleotide position 1757. The asparagine at codon 586 is replaced by serine, an amino acid with highly similar properties. This amino acid position is conserved. In addition, in silico predictors for this gene do not accurately predict pathogenicity. Since supporting evidence is limited at this time, the clinical significance of this alteration remains unclear.